The following is an entry in ClinVar:

ClinVar aggregate classification (germline): Likely pathogenic (1 of 4 stars; one submission).

Conditions:
Fibrochondrogenesis 1 (FBCG1). Identifiers: Orphanet 2021, MedGen C3278138, MONDO:0009226, OMIM 228520.
Marshall syndrome (MRSHS). Identifiers: Orphanet 560, MedGen C0265235, MONDO:0007949, OMIM 154780.
Stickler syndrome type 2 (STL2). Also called: STICKLER SYNDROME, TYPE II; STICKLER SYNDROME, BEADED VITREOUS TYPE; STICKLER SYNDROME, VITREOUS TYPE 2; COL11A1-Related Stickler Syndrome. Identifiers: Orphanet 828, Orphanet 90654, MedGen C1858084, MONDO:0011493, OMIM 604841.

Submission:

Institute for Genomic Medicine (IGM) Clinical Laboratory, Nationwide Children's Hospital
Classification: Likely pathogenic for Stickler syndrome type 2; Fibrochondrogenesis 1; Marshall syndrome. Last evaluated: 2018-06-29. Review status: criteria provided, single submitter. Criteria: ACMG Guidelines, 2015. Collection method: clinical testing. Allele origin: germline. Affected: yes.
Comment: [ACMG/AMP: PVS1, PM2] This alteration is a null variant in a gene where LOF is a known mechanism of disease [PVS1], is absent from or rarely observed in large-scale population databases [PM2].

NM_001854.4(COL11A1):c.1168G>T (p.Glu390Ter)

Gene: COL11A1 (collagen type XI alpha 1 chain; minus strand). Cytogenetic location: 1p21.1.
Variant type: single nucleotide variant.
Coding change: c.1168G>T on transcript NM_001854.4 (MANE Select); coding-DNA position 1168, G replaced by T.
Protein change: p.Glu390Ter; replaces glutamic acid 390 with a stop codon.
Molecular consequence: nonsense. On other transcripts: intron variant (1), non-coding transcript variant (1).
Genome position (GRCh38, 1-based): chr1:103,022,819, C>A on the plus strand (G>T on the coding strand, the complement: COL11A1 is on the minus strand). VCF-style: chr1-103022819-C-A. GRCh37 (hg19) VCF-style: chr1-103488375-C-A.
Other names: c.898-1050G>T (NM_080630.4); c.1051G>T, p.Glu351Ter (NM_001190709.2); c.1204G>T, p.Glu402Ter (NM_080629.3); short protein forms E351*, E390*, E402*.
Identifiers: ClinVar variation 973212 (VCV000973212.5), dbSNP rs1667208458, ClinGen allele CA341154439.